The following is an entry in ClinVar:

NM_000059.4(BRCA2):c.6732A>C (p.Lys2244Asn)

Gene: BRCA2 (BRCA2 DNA repair associated; plus strand). Cytogenetic location: 13q13.1.
Variant type: single nucleotide variant.
Coding change: c.6732A>C on transcript NM_000059.4 (MANE Select); coding-DNA position 6732, A replaced by C.
Protein change: p.Lys2244Asn; replaces lysine 2244 with asparagine.
Molecular consequence: missense variant. On other transcripts: non-coding transcript variant (1), intron variant (2).
Genome position (GRCh38, 1-based): chr13:32,341,087, A>C. VCF-style: chr13-32341087-A-C. GRCh37 (hg19) VCF-style: chr13-32915224-A-C.
Other names: K2244N; 6960A>C; c.6732A>C, p.Lys2244Asn (NM_001406719.1, NM_001406720.1, NM_001432077.1); c.1910-3471A>C (NM_001406721.1); c.425-3471A>C (NM_001406722.1).
Identifiers: ClinVar variation 252842 (VCV000252842.3), dbSNP rs879255461, ClinGen allele CA10586076.
Genomic context (GRCh38, chr13:32,341,087, plus strand): 5'-AACAGAAGCAGTAGAAATTGCTAAAGCTTTTATGGAAGATGATGAACTGACAGATTCTAA[A>C]CTGCCAAGTCATGCCACACATTCTCTTTTTACATGTCCCGAAAATGAGGAAATGGTTTTG-3'
Protein context (NP_000050.3, residues 2234-2254): FMEDDELTDS[Lys2244Asn]LPSHATHSLF

ClinVar aggregate classification (germline): Uncertain significance. Review status: criteria provided, single submitter (1 of 4 stars). 2 submissions from 2 submitters: Uncertain significance (1). 1 of the submissions does not count toward it. Last evaluated 2026-02-19.

Conditions:
Hereditary cancer-predisposing syndrome. Also called: Tumor predisposition; Hereditary neoplastic syndrome; Hereditary Cancer Syndrome; Neoplastic Syndromes, Hereditary. Identifiers: Orphanet 140162, MedGen C0027672, MeSH D009386, MONDO:0015356.
Breast-ovarian cancer, familial, susceptibility to, 2 (BROVCA2). Also called: BRCA2 Hereditary Breast and Ovarian Cancer. Identifiers: Orphanet 145, MedGen C2675520, MONDO:0012933, OMIM 612555. Disease mechanism: loss of function.

Submissions (2):

Ambry Genetics
Classification: Uncertain significance for Hereditary cancer-predisposing syndrome. Last evaluated: 2026-02-19. Review status: criteria provided, single submitter. Criteria: Ambry Variant Classification Scheme 2023. Collection method: clinical testing. Allele origin: germline.
Comment: The p.K2244N variant (also known as c.6732A>C), located in coding exon 10 of the BRCA2 gene, results from an A to C substitution at nucleotide position 6732. The lysine at codon 2244 is replaced by asparagine, an amino acid with similar properties. This amino acid position is poorly conserved in available vertebrate species. In addition, this alteration is predicted to be tolerated by in silico analysis. Based on the available evidence, the clinical significance of this variant remains unclear.

Sharing Clinical Reports Project (SCRP)
Classification: Uncertain significance for Breast-ovarian cancer, familial 2. Last evaluated: 2012-12-12. Review status: no assertion criteria provided. Collection method: clinical testing. Allele origin: germline. Not counted in ClinVar's aggregate classification.